The following is an entry in ClinVar:

ClinVar aggregate classification (germline): Benign/Likely benign. Review status: criteria provided, multiple submitters, no conflicts (2 of 4 stars). 9 submissions from 9 submitters: Benign (3); Likely benign (3). 3 of the submissions do not count toward it. Last evaluated 2025-12-22.

Conditions:
Cardiovascular phenotype. Identifiers: MedGen CN230736.
MYL2-related disorder. Also called: MYL2-related condition; MYL2-related disease; MYL2-related disorders.
Cardiomyopathy (CMYO). Also called: Cardiomyopathies. Identifiers: Orphanet 167848, MedGen C0878544, MONDO:0004994, HP:0001638. Inheritance: Various modes of inheritance.
Hypertrophic cardiomyopathy 10. Also called: MYL2-Related Familial Hypertrophic Cardiomyopathy; CARDIOMYOPATHY, HYPERTROPHIC, MID-LEFT VENTRICULAR CHAMBER TYPE, 2. Identifiers: MedGen C1834460, MONDO:0012112, OMIM 608758.
Hypertrophic cardiomyopathy. Also called: HYPERTROPHIC MYOCARDIOPATHY. Identifiers: Orphanet 217569, MedGen C0007194, MeSH D002312, MONDO:0005045, HP:0001639.

Allele frequency attached by ClinVar (database versions not stated): 1000 Genomes Project 0.00060; 1000 Genomes Project 30x 0.00078; gnomAD exomes 0.00003 and 0.00011; gnomAD 0.00005 and 0.00006; TOPMed 0.00008; ExAC 0.00014.
gnomAD v4.1: 52 of 1,613,252 alleles (0.0032%); highest among the groups gnomAD compares: East Asian, 0.096%; no homozygotes.

Submissions (9):

Labcorp Genetics (formerly Invitae), Labcorp
Classification: Benign for Hypertrophic cardiomyopathy 10. Last evaluated: 2025-12-22. Review status: criteria provided, single submitter. Criteria: Invitae Variant Classification Sherloc (09022015). Collection method: clinical testing. Allele origin: germline.

Blueprint Genetics
Classification: Likely benign. Last evaluated: 2024-10-28. Review status: criteria provided, single submitter. Criteria: ACMG Guidelines, 2015. Collection method: clinical testing. Allele origin: germline.

All of Us Research Program, National Institutes of Health
Classification: Benign for Hypertrophic cardiomyopathy. Last evaluated: 2023-12-13. Review status: criteria provided, single submitter. Criteria: ACMG Guidelines, 2015. Collection method: clinical testing. Allele origin: germline. Inheritance: Autosomal dominant inheritance. Observed: 14 variant alleles, 14 heterozygotes.
Comment: This study involves interpretation of variants in research participants for the purpose of population health screening. Participant phenotype was not available at the time of variant classification. Additional details can be found in publication PMID: 35346344, PMCID: PMC8962531

GeneDx
Classification: Likely benign. Last evaluated: 2019-03-14. Review status: criteria provided, single submitter. Criteria: GeneDx Variant Classification Process June 2021. Collection method: clinical testing. Allele origin: germline. Affected: yes.

Color Diagnostics, LLC DBA Color Health
Classification: Benign for Cardiomyopathy. Last evaluated: 2018-04-28. Review status: criteria provided, single submitter. Criteria: ACMG Guidelines, 2015. Collection method: clinical testing. Allele origin: germline.

Ambry Genetics
Classification: Likely benign for Cardiovascular phenotype. Last evaluated: 2017-04-28. Review status: criteria provided, single submitter. Criteria: Ambry Variant Classification Scheme 2023. Collection method: clinical testing. Allele origin: germline.

PreventionGenetics, part of Exact Sciences
Classification: Likely benign for MYL2-related condition. Last evaluated: 2020-08-24. Review status: no assertion criteria provided. Collection method: clinical testing. Allele origin: germline. Not counted in ClinVar's aggregate classification.
Comment: This variant is classified as likely benign based on ACMG/AMP sequence variant interpretation guidelines (Richards et al. 2015 PMID: 25741868, with internal and published modifications).

Clinical Genetics DNA and cytogenetics Diagnostics Lab, Erasmus MC, Erasmus Medical Center
Classification: Likely benign. Review status: no assertion criteria provided. Collection method: clinical testing. Allele origin: germline. Affected: yes. Study: VKGL Data-share Consensus. Not counted in ClinVar's aggregate classification.

Clinical Genetics, Academic Medical Center
Classification: Benign. Review status: no assertion criteria provided. Collection method: clinical testing. Allele origin: germline. Affected: yes. Study: VKGL Data-share Consensus. Not counted in ClinVar's aggregate classification.

NM_000432.4(MYL2):c.456C>T (p.Tyr152=)

Gene: MYL2 (myosin light chain 2; minus strand). Cytogenetic location: 12q24.11.
Variant type: single nucleotide variant.
Coding change: c.456C>T on transcript NM_000432.4 (MANE Select); coding-DNA position 456, C replaced by T.
Protein change: p.Tyr152=; no amino-acid change (tyrosine 152 retained).
Molecular consequence: synonymous variant.
Genome position (GRCh38, 1-based): chr12:110,911,122, G>A on the plus strand (C>T on the coding strand, the complement: MYL2 is on the minus strand). VCF-style: chr12-110911122-G-A. GRCh37 (hg19) VCF-style: chr12-111348926-G-A.
Identifiers: ClinVar variation 263505 (VCV000263505.26), dbSNP rs199815885, ClinGen allele CA043194.
Genomic context (GRCh38, chr12:110,911,122, plus strand): 5'-GCAGCGAGCCCCCTCCTAGTCCTTCTCTTCTCCGTGGGTGATGATGTGCACCAGGTTCTT[G>A]TAGTCCAAGTTGCCAGTCACGTCAGGGGGGAAGGCGGCGAACATCTGGTCAACCTGCAAT-3'
Protein context (NP_000423.2, residues 142-162): FPPDVTGNLD[Tyr152=]KNLVHIITHG